The following is an entry in ClinVar:

NM_004608.4(TBX6):c.1022G>A (p.Cys341Tyr)

Gene: TBX6 (T-box transcription factor 6; minus strand). Cytogenetic location: 16p11.2.
Variant type: single nucleotide variant.
Coding change: c.1022G>A on transcript NM_004608.4 (MANE Select); coding-DNA position 1022, G replaced by A.
Protein change: p.Cys341Tyr; replaces cysteine 341 with tyrosine.
Molecular consequence: missense variant.
Genome position (GRCh38, 1-based): chr16:30,086,587, C>T on the plus strand (G>A on the coding strand, the complement: TBX6 is on the minus strand). VCF-style: chr16-30086587-C-T. GRCh37 (hg19) VCF-style: chr16-30097908-C-T.
Other names: c.1022G>A (NM_004608.3); short protein forms C341Y.
Identifiers: ClinVar variation 1409731 (VCV001409731.9), dbSNP rs768520466, ClinGen allele CA8001698.

ClinVar aggregate classification (germline): Uncertain significance. Review status: criteria provided, multiple submitters, no conflicts (2 of 4 stars). 2 submissions from 2 submitters: Uncertain significance (2). Last evaluated 2025-11-02.

Conditions:
Inborn genetic diseases. Identifiers: MedGen C0950123, MeSH D030342.

Allele frequency attached by ClinVar (database versions not stated): gnomAD 0.00001; TOPMed 0.00001; gnomAD exomes 0.00002 and 0.00005; ExAC 0.00014.
gnomAD v4.1: 10 of 1,566,388 alleles (0.00064%); highest among the groups gnomAD compares: Admixed American, 0.021%; no homozygotes.

Submissions (2):

Ambry Genetics
Classification: Uncertain significance for Inborn genetic diseases. Last evaluated: 2025-11-02. Review status: criteria provided, single submitter. Criteria: Ambry Variant Classification Scheme 2023. Collection method: clinical testing. Allele origin: germline.

Labcorp Genetics (formerly Invitae), Labcorp
Classification: Uncertain significance. Last evaluated: 2024-03-12. Review status: criteria provided, single submitter. Criteria: Invitae Variant Classification Sherloc (09022015). Collection method: clinical testing. Allele origin: germline.
Comment: This sequence change replaces cysteine, which is neutral and slightly polar, with tyrosine, which is neutral and polar, at codon 341 of the TBX6 protein (p.Cys341Tyr). This variant is present in population databases (rs768520466, gnomAD 0.04%). This variant has not been reported in the literature in individuals affected with TBX6-related conditions. ClinVar contains an entry for this variant (Variation ID: 1409731). Advanced modeling of protein sequence and biophysical properties (such as structural, functional, and spatial information, amino acid conservation, physicochemical variation, residue mobility, and thermodynamic stability) performed at Invitae indicates that this missense variant is not expected to disrupt TBX6 protein function with a negative predictive value of 80%. In summary, the available evidence is currently insufficient to determine the role of this variant in disease. Therefore, it has been classified as a Variant of Uncertain Significance.